The following is an entry in ClinVar:

NM_015001.3(SPEN):c.7134C>T (p.Pro2378=)

Gene: SPEN (spen family transcriptional repressor; plus strand). Cytogenetic location: 1p36.13.
Variant type: single nucleotide variant.
Coding change: c.7134C>T on transcript NM_015001.3 (MANE Select); coding-DNA position 7134, C replaced by T.
Protein change: p.Pro2378=; no amino-acid change (proline 2378 retained).
Molecular consequence: synonymous variant.
Genome position (GRCh38, 1-based): chr1:15,933,374, C>T. VCF-style: chr1-15933374-C-T. GRCh37 (hg19) VCF-style: chr1-16259869-C-T.
Identifiers: ClinVar variation 3043219 (VCV003043219.22), dbSNP rs147983953, ClinGen allele CA620052.
Genomic context (GRCh38, chr1:15,933,374, plus strand): 5'-ATCCAACCAAGCTCAAGGTGAGAGTCCTGCTGCAAATGAGGGGACAACAGTACAGCACCC[C>T]GAAGCCCCACAGGAAGAAAAGCAGAGTGAGAAACCCCATTCCACTCCTCCTCAGTCATGT-3'
Protein context (NP_055816.2, residues 2368-2388): AANEGTTVQH[Pro2378=]EAPQEEKQSE

ClinVar aggregate classification (germline): Likely benign. Review status: criteria provided, multiple submitters, no conflicts (2 of 4 stars). 3 submissions from 3 submitters: Likely benign (2). 1 of the submissions does not count toward it. Last evaluated 2024-09-23.

Conditions:
SPEN-related disorder. Also called: SPEN-related condition.

Allele frequency attached by ClinVar (database versions not stated): ESP Exome Variant Server 0.00069; gnomAD 0.00075; TOPMed 0.00079; 1000 Genomes Project 30x 0.00094; 1000 Genomes Project 0.00120; ExAC 0.00019.

Submissions (3):

Blueprint Genetics
Classification: Likely benign. Last evaluated: 2024-09-23. Review status: criteria provided, single submitter. Criteria: ACMG Guidelines, 2015. Collection method: clinical testing. Allele origin: germline.

CeGaT Center for Human Genetics Tuebingen
Classification: Likely benign. Last evaluated: 2024-04-01. Review status: criteria provided, single submitter. Criteria: CeGaT Center For Human Genetics Tuebingen Variant Classification Criteria Version 2. Collection method: clinical testing. Allele origin: germline. Affected: yes. Observed: 1 variant allele.
Comment: SPEN: BP4, BP7, BS1

PreventionGenetics, part of Exact Sciences
Classification: Likely benign for SPEN-related condition. Last evaluated: 2019-06-24. Review status: no assertion criteria provided. Collection method: clinical testing. Allele origin: germline. Not counted in ClinVar's aggregate classification.
Comment: This variant is classified as likely benign based on ACMG/AMP sequence variant interpretation guidelines (Richards et al. 2015 PMID: 25741868, with internal and published modifications).